The following is an entry in ClinVar:

NM_000103.4(CYP19A1):c.787del (p.Arg263fs)

Genes: CYP19A1 (cytochrome P450 family 19 subfamily A member 1; minus strand), MIR4713HG (MIR4713 host gene; plus strand), PIRC66 (piwi-interacting RNA cluster 66; plus strand). Cytogenetic location: 15q21.2.
Variant type: Deletion.
Coding change: c.787del on transcript NM_000103.4 (MANE Select); coding-DNA position 787, one base deleted (A; older notation c.787delA).
Protein change: p.Arg263fs; shifts the reading frame from arginine 263.
Molecular consequence: frameshift variant.
Genome position (GRCh38, 1-based): chr15:51,215,774, T deleted on the plus strand (A on the coding strand, the reverse complement: CYP19A1 is on the minus strand); the first of 6 consecutive T bases (chr15:51,215,774-51,215,779); deleting any one gives the same sequence. VCF-style (leftmost placement, unchanged base first): chr15-51215773-CT-C. GRCh37 (hg19) VCF-style: chr15-51507970-CT-C.
Other names: c.787del, p.Arg263fs (NM_001347256.2, NM_031226.3, NM_001347248.1 and 7 more transcripts); c.787delA (NM_031226.2); short protein forms R263fs.
Identifiers: ClinVar variation 639591 (VCV000639591.6), dbSNP rs1595671510, ClinGen allele CA915946013.

ClinVar aggregate classification (germline): Pathogenic (1 of 4 stars; one submission).

Submission:

Labcorp Genetics (formerly Invitae), Labcorp
Classification: Pathogenic. Last evaluated: 2020-03-31. Review status: criteria provided, single submitter. Criteria: Invitae Variant Classification Sherloc (09022015). Collection method: clinical testing. Allele origin: germline.
Comment: This sequence change creates a premature translational stop signal (p.Arg263Aspfs*20) in the CYP19A1 gene. It is expected to result in an absent or disrupted protein product. This variant is not present in population databases (ExAC no frequency). This variant has not been reported in the literature in individuals with CYP19A1-related disease. Loss-of-function variants in CYP19A1 are known to be pathogenic (PMID: 14602738, 27086564, 27256151). For these reasons, this variant has been classified as Pathogenic.

Literature cited by the submitters: PubMed 14602738; PubMed 27086564; PubMed 27256151.